The following is an entry in ClinVar:

NM_000361.3(THBD):c.347A>C (p.Asn116Thr)

Gene: THBD (thrombomodulin; minus strand). Cytogenetic location: 20p11.21.
Variant type: single nucleotide variant.
Coding change: c.347A>C on transcript NM_000361.3 (MANE Select); coding-DNA position 347, A replaced by C.
Protein change: p.Asn116Thr; replaces asparagine 116 with threonine.
Molecular consequence: missense variant.
Genome position (GRCh38, 1-based): chr20:23,049,158, T>G on the plus strand (A>C on the coding strand, the complement: THBD is on the minus strand). VCF-style: chr20-23049158-T-G. GRCh37 (hg19) VCF-style: chr20-23029795-T-G.
Other names: short protein forms N116T.
Identifiers: ClinVar variation 897137 (VCV000897137.12), dbSNP rs773006742, ClinGen allele CA9787749.

ClinVar aggregate classification (germline): Benign/Likely benign. Review status: criteria provided, multiple submitters, no conflicts (2 of 4 stars). 3 submissions from 3 submitters: Benign (1); Likely benign (2). Last evaluated 2025-11-16.

Conditions:
Atypical hemolytic-uremic syndrome with thrombomodulin anomaly. Also called: HEMOLYTIC UREMIC SYNDROME, ATYPICAL, SUSCEPTIBILITY TO, 6; AHUS, SUSCEPTIBILITY TO, 6. Identifiers: MedGen C2752036, MONDO:0013044, OMIM 612926. Disease mechanism: gain of function.

Allele frequency attached by ClinVar (database versions not stated): gnomAD exomes 0.00007 and 0.00015; gnomAD 0.00014 and 0.00015; TOPMed 0.00014; ExAC 0.00040.

Submissions (3):

Labcorp Genetics (formerly Invitae), Labcorp
Classification: Likely benign. Last evaluated: 2025-11-16. Review status: criteria provided, single submitter. Criteria: Invitae Variant Classification Sherloc (09022015). Collection method: clinical testing. Allele origin: germline.

Blueprint Genetics
Classification: Likely benign. Last evaluated: 2023-05-05. Review status: criteria provided, single submitter. Criteria: ACMG Guidelines, 2015. Collection method: clinical testing. Allele origin: germline.

Illumina Laboratory Services, Illumina
Classification: Benign for Atypical hemolytic-uremic syndrome with thrombomodulin anomaly. Last evaluated: 2018-01-13. Review status: criteria provided, single submitter. Criteria: ICSL Variant Classification Criteria 13 December 2019. Collection method: clinical testing. Allele origin: germline.
Comment: This variant was observed in the ICSL laboratory as part of a predisposition screen in an ostensibly healthy population. It had not been previously curated by ICSL or reported in the Human Gene Mutation Database (HGMD: prior to June 1st, 2018), and was therefore a candidate for classification through an automated scoring system. Utilizing variant allele frequency, disease prevalence and penetrance estimates, and inheritance mode, an automated score was calculated to assess if this variant is too frequent to cause the disease. Based on the score and internal cut-off values, a variant classified as benign is not then subjected to further curation. The score for this variant resulted in a classification of benign for this disease.